The following is an entry in ClinVar:

NM_000257.4(MYH7):c.999+154G>A

Gene: MYH7 (myosin heavy chain 7; minus strand). Cytogenetic location: 14q11.2.
Variant type: single nucleotide variant.
Coding change: c.999+154G>A on transcript NM_000257.4 (MANE Select); 154 bases into the intron after coding-DNA position 999, G replaced by A.
Molecular consequence: intron variant.
Genome position (GRCh38, 1-based): chr14:23,430,406, C>T on the plus strand (G>A on the coding strand, the complement: MYH7 is on the minus strand). VCF-style: chr14-23430406-C-T. GRCh37 (hg19) VCF-style: chr14-23899615-C-T.
Identifiers: ClinVar variation 675338 (VCV000675338.1), dbSNP rs144090216, ClinGen allele CA257825237.

ClinVar aggregate classification (germline): Likely benign (1 of 4 stars; one submission).

Allele frequency attached by ClinVar (database versions not stated): gnomAD 0.00535 and 0.00578; TOPMed 0.00610; 1000 Genomes Project 0.00639; 1000 Genomes Project 30x 0.00640.

Submission:

GeneDx
Classification: Likely benign. Last evaluated: 2018-06-14. Review status: criteria provided, single submitter. Criteria: GeneDx Variant Classification (06012015). Collection method: clinical testing. Allele origin: germline. Affected: yes.
Comment: This variant is considered likely benign or benign based on one or more of the following criteria: it is a conservative change, it occurs at a poorly conserved position in the protein, it is predicted to be benign by multiple in silico algorithms, and/or has population frequency not consistent with disease.